The following is an entry in ClinVar:

ClinVar aggregate classification (germline): Uncertain significance (1 of 4 stars; one submission).

Submission:

GeneDx
Classification: Uncertain significance. Last evaluated: 2023-12-19. Review status: criteria provided, single submitter. Criteria: GeneDx Variant Classification Process June 2021. Collection method: clinical testing. Allele origin: germline. Affected: yes.
Comment: Not observed at significant frequency in large population cohorts (gnomAD); In silico analysis supports that this missense variant does not alter protein structure/function; Has not been previously published as pathogenic or benign to our knowledge; This variant is associated with the following publications: (PMID: 27721487)

NM_016222.4(DDX41):c.1222G>A (p.Val408Ile)

Gene: DDX41 (DEAD-box helicase 41; minus strand). Cytogenetic location: 5q35.3.
Variant type: single nucleotide variant.
Coding change: c.1222G>A on transcript NM_016222.4 (MANE Select); coding-DNA position 1222, G replaced by A.
Protein change: p.Val408Ile; replaces valine 408 with isoleucine.
Molecular consequence: missense variant.
Genome position (GRCh38, 1-based): chr5:177,513,361, C>T on the plus strand (G>A on the coding strand, the complement: DDX41 is on the minus strand). VCF-style: chr5-177513361-C-T. GRCh37 (hg19) VCF-style: chr5-176940362-C-T.
Other names: c.844G>A, p.Val282Ile (NM_001321732.2, NM_001321830.2); short protein forms V282I, V408I.
Identifiers: ClinVar variation 3369976 (VCV003369976.1).
Genomic context (GRCh38, chr5:177,513,361, plus strand): 5'-TCAGATCCAGCCCCCACAGGTGAGAGACCGCCCATCAGGAGCACCTGCCCACCTGGATGA[C>T]ATCCAGGCTGGCAGCCCCAGCGCGCCCCACATTGATGGTCACAGGCTTTACAAGGGCACT-3'
Protein context (NP_057306.2, residues 398-418): VGRAGAASLD[Val408Ile]IQEVEYVKEE